The following is an entry in ClinVar:

NM_000038.6(APC):c.5496T>C (p.Asp1832=)

Gene: APC (APC regulator of Wnt signaling pathway; plus strand). Cytogenetic location: 5q22.2.
Variant type: single nucleotide variant.
Coding change: c.5496T>C on transcript NM_000038.6 (MANE Select); coding-DNA position 5496, T replaced by C.
Protein change: p.Asp1832=; no amino-acid change (aspartic acid 1832 retained).
Molecular consequence: synonymous variant.
Genome position (GRCh38, 1-based): chr5:112,841,090, T>C. VCF-style: chr5-112841090-T-C. GRCh37 (hg19) VCF-style: chr5-112176787-T-C.
Other names: c.5496T>C, p.Asp1832= (NM_001127510.3, NM_001354895.2); c.5442T>C, p.Asp1814= (NM_001127511.3); c.5550T>C, p.Asp1850= (NM_001354896.2); c.5526T>C, p.Asp1842= (NM_001354897.2); c.5421T>C, p.Asp1807= (NM_001354898.2); c.5412T>C, p.Asp1804= (NM_001354899.2); c.5373T>C, p.Asp1791= (NM_001354900.2); c.5319T>C, p.Asp1773= (NM_001354901.2); and 5 more.
Identifiers: ClinVar variation 749773 (VCV000749773.17), dbSNP rs1561600562, ClinGen allele CA446208887.
Genomic context (GRCh38, chr5:112,841,090, plus strand): 5'-GAAACAGAATTTGAAAAATAATTCCAAGGTCTTCAATGATAAGCTCCCAAATAATGAAGA[T>C]AGAGTCAGAGGAAGTTTTGCTTTTGATTCACCTCATCATTACACGCCTATTGAAGGAACT-3'
Protein context (NP_000029.2, residues 1822-1842): VFNDKLPNNE[Asp1832=]RVRGSFAFDS

ClinVar aggregate classification (germline): Benign/Likely benign. Review status: criteria provided, multiple submitters, no conflicts (2 of 4 stars). 5 submissions from 5 submitters: Benign (1); Likely benign (3). 1 of the submissions does not count toward it. Last evaluated 2024-06-26.

Conditions:
Familial adenomatous polyposis 1 (FAP1). Also called: FAMILIAL ADENOMATOUS POLYPOSIS 1, ATTENUATED; POLYPOSIS, ADENOMATOUS INTESTINAL. Identifiers: MedGen C2713442, MONDO:0021056, OMIM 175100. Disease mechanism: loss of function.
Hereditary cancer-predisposing syndrome. Also called: Tumor predisposition; Hereditary neoplastic syndrome; Neoplastic Syndromes, Hereditary; Hereditary Cancer Syndrome. Identifiers: Orphanet 140162, MedGen C0027672, MeSH D009386, MONDO:0015356.

Allele frequency attached by ClinVar (database versions not stated): gnomAD exomes below 0.00001.
gnomAD v4.1: 2 of 1,612,890 alleles (0.00012%); highest among the groups gnomAD compares: Non-Finnish European, 0.00017%; no homozygotes.

Submissions (5):

Labcorp Genetics (formerly Invitae), Labcorp
Classification: Likely benign for Familial adenomatous polyposis 1. Last evaluated: 2024-06-26. Review status: criteria provided, single submitter. Criteria: Invitae Variant Classification Sherloc (09022015). Collection method: clinical testing. Allele origin: germline.

Myriad Genetics, Inc.
Classification: Benign for Familial adenomatous polyposis 1. Last evaluated: 2024-04-02. Review status: criteria provided, single submitter. Criteria: Myriad Autosomal Dominant, Autosomal Recessive and X-Linked Classification Criteria (2023). Collection method: clinical testing. Allele origin: unknown.
Comment: This variant is considered benign. This variant is a silent/synonymous amino acid change and it is not expected to impact splicing.

Ambry Genetics
Classification: Likely benign for Hereditary cancer-predisposing syndrome. Last evaluated: 2022-12-29. Review status: criteria provided, single submitter. Criteria: Ambry Variant Classification Scheme 2023. Collection method: clinical testing. Allele origin: germline.

Color Diagnostics, LLC DBA Color Health
Classification: Likely benign for Hereditary cancer-predisposing syndrome. Last evaluated: 2018-11-26. Review status: criteria provided, single submitter. Criteria: ACMG Guidelines, 2015. Collection method: clinical testing. Allele origin: germline.

Department of Pathology and Laboratory Medicine, Sinai Health System
Classification: Uncertain significance for Familial adenomatous polyposis 1. Review status: no assertion criteria provided. Collection method: clinical testing. Allele origin: unknown. Affected: yes. Study: The Canadian Open Genetics Repository (COGR). Not counted in ClinVar's aggregate classification.
Comment: The APC p.Asp1832= variant was not identified in the literature nor was it identified in dbSNP, ClinVar, GeneInsight-COGR, Cosmic, MutDB, LOVD 3.0, UMD-LSDB, and the Zhejiang Colon Cancer Database. The variant was identified in control databases in 1 of 245644 chromosomes at a frequency of 0.000004 (Genome Aggregation Database Feb 27, 2017), in European Non-Finnish population in 1 of 111186 chromosomes (freq: 0.000009), while not observed in the African, Other, Latino, Ashkenazi Jewish, East Asian, European Finnish, and South Asian populations. The p.Asp1832= variant is not expected to have clinical significance because it does not result in a change of amino acid and is not located in a known consensus splice site. In addition, in silico or computational prediction software programs (SpliceSiteFinder, MaxEntScan, NNSPLICE, GeneSplicer, HumanSpliceFinder) do not predict a difference in splicing. In summary, based on the above information the clinical significance of this variant cannot be determined with certainty at this time. This variant is classified as a variant of uncertain significance.